The following is an entry in ClinVar:

NM_015346.4(ZFYVE26):c.7258A>C (p.Ser2420Arg)

Gene: ZFYVE26 (zinc finger FYVE-type containing 26; minus strand). Cytogenetic location: 14q24.1.
Variant type: single nucleotide variant.
Coding change: c.7258A>C on transcript NM_015346.4 (MANE Select); coding-DNA position 7258, A replaced by C.
Protein change: p.Ser2420Arg; replaces serine 2420 with arginine.
Molecular consequence: missense variant.
Genome position (GRCh38, 1-based): chr14:67,752,457, T>G on the plus strand (A>C on the coding strand, the complement: ZFYVE26 is on the minus strand). VCF-style: chr14-67752457-T-G. GRCh37 (hg19) VCF-style: chr14-68219174-T-G.
Other names: c.7258A>C (NM_015346.3); short protein forms S2420R.
Identifiers: ClinVar variation 2140518 (VCV002140518.2), dbSNP rs1827888682, ClinGen allele CA390158490.

ClinVar aggregate classification (germline): Uncertain significance. Review status: criteria provided, multiple submitters, no conflicts (2 of 4 stars). 2 submissions from 2 submitters: Uncertain significance (2). Last evaluated 2025-08-27.

Conditions:
Spastic paraplegia. Identifiers: MedGen C0037772, HP:0001258.
Inborn genetic diseases. Identifiers: MedGen C0950123, MeSH D030342.

Allele frequency attached by ClinVar (database versions not stated): TOPMed below 0.00001.

Submissions (2):

Ambry Genetics
Classification: Uncertain significance for Inborn genetic diseases. Last evaluated: 2025-08-27. Review status: criteria provided, single submitter. Criteria: Ambry Variant Classification Scheme 2023. Collection method: clinical testing. Allele origin: germline.

Labcorp Genetics (formerly Invitae), Labcorp
Classification: Uncertain significance for Spastic paraplegia. Last evaluated: 2022-07-06. Review status: criteria provided, single submitter. Criteria: Invitae Variant Classification Sherloc (09022015). Collection method: clinical testing. Allele origin: germline.
Comment: This sequence change replaces serine, which is neutral and polar, with arginine, which is basic and polar, at codon 2420 of the ZFYVE26 protein (p.Ser2420Arg). This variant is not present in population databases (gnomAD no frequency). This variant has not been reported in the literature in individuals affected with ZFYVE26-related conditions. Algorithms developed to predict the effect of missense changes on protein structure and function are either unavailable or do not agree on the potential impact of this missense change (SIFT: "Deleterious"; PolyPhen-2: "Benign"; Align-GVGD: "Class C0"). In summary, the available evidence is currently insufficient to determine the role of this variant in disease. Therefore, it has been classified as a Variant of Uncertain Significance.